The following is an entry in ClinVar:

ClinVar aggregate classification (germline): Uncertain significance (1 of 4 stars; one submission).

Submission:

GeneDx
Classification: Uncertain significance. Last evaluated: 2025-03-18. Review status: criteria provided, single submitter. Criteria: GeneDx Variant Classification Process June 2021. Collection method: clinical testing. Allele origin: germline. Affected: yes.
Comment: Not observed at significant frequency in large population cohorts (gnomAD); In silico analysis indicates that this missense variant does not alter protein structure/function; This variant is associated with the following publications: (PMID: 38199047)

NM_001317778.2(SFTPC):c.178A>G (p.Met60Val)

Gene: SFTPC (surfactant protein C; plus strand). Cytogenetic location: 8p21.3.
Variant type: single nucleotide variant.
Coding change: c.178A>G on transcript NM_001317778.2 (MANE Select); coding-DNA position 178, A replaced by G.
Protein change: p.Met60Val; replaces methionine 60 with valine.
Molecular consequence: missense variant. On other transcripts: intron variant (2).
Genome position (GRCh38, 1-based): chr8:22,162,709, A>G. VCF-style: chr8-22162709-A-G. GRCh37 (hg19) VCF-style: chr8-22020222-A-G.
Other names: c.178A>G, p.Met60Val (NM_001172357.2, NM_001172410.2, NM_001317780.2 and 8 more transcripts); c.43-371A>G (NM_001385660.1, NM_001317779.2); short protein forms M60V.
Identifiers: ClinVar variation 4086509 (VCV004086509.1).